The following is an entry in ClinVar:

NM_144596.4(TTC8):c.114+5C>T

Gene: TTC8 (tetratricopeptide repeat domain 8; plus strand). Cytogenetic location: 14q31.3.
Variant type: single nucleotide variant.
Coding change: c.114+5C>T on transcript NM_144596.4 (MANE Select); 5 bases into the intron after coding-DNA position 114, C replaced by T.
Molecular consequence: intron variant.
Genome position (GRCh38, 1-based): chr14:88,824,826, C>T. VCF-style: chr14-88824826-C-T. GRCh37 (hg19) VCF-style: chr14-89291170-C-T.
Other names: c.-449+5C>T (NM_001288782.1); c.114+5C>T (NM_001288781.1, NM_198309.3, NM_198310.3 and 2 more transcripts); c.-544+5C>T (NM_001288783.1).
Identifiers: ClinVar variation 2023120 (VCV002023120.6), dbSNP rs763859150, ClinGen allele CA2153768020.

ClinVar aggregate classification (germline): Uncertain significance. Review status: criteria provided, multiple submitters, no conflicts (2 of 4 stars). 3 submissions from 3 submitters: Uncertain significance (3). Last evaluated 2026-06-02.

Conditions:
Bardet-Biedl syndrome 8 (BBS8). Identifiers: Orphanet 110, MedGen C1859566, MONDO:0014436, OMIM 615985.
Retinitis pigmentosa 51 (RP51). Identifiers: Orphanet 791, MedGen C3150715, MONDO:0013274, OMIM 613464.
Bardet-Biedl syndrome (BBS). Identifiers: Orphanet 110, MedGen C0752166, MONDO:0015229.

Submissions (3):

Women's Health and Genetics/Laboratory Corporation of America, LabCorp
Classification: Uncertain significance. Last evaluated: 2026-06-02. Review status: criteria provided, single submitter. Criteria: LabCorp Variant Classification Summary - May 2015. Collection method: clinical testing. Allele origin: germline.

Fulgent Genetics
Classification: Uncertain significance for Retinitis pigmentosa 51; Bardet-Biedl syndrome 8. Last evaluated: 2024-02-06. Review status: criteria provided, single submitter. Criteria: ACMG Guidelines, 2015. Collection method: clinical testing. Allele origin: germline.

Labcorp Genetics (formerly Invitae), Labcorp
Classification: Uncertain significance for Bardet-Biedl syndrome. Last evaluated: 2023-05-10. Review status: criteria provided, single submitter. Criteria: Invitae Variant Classification Sherloc (09022015). Collection method: clinical testing. Allele origin: germline.
Comment: This sequence change falls in intron 2 of the TTC8 gene. It does not directly change the encoded amino acid sequence of the TTC8 protein. It affects a nucleotide within the consensus splice site. This variant is not present in population databases (gnomAD no frequency). This variant has not been reported in the literature in individuals affected with TTC8-related conditions. ClinVar contains an entry for this variant (Variation ID: 2023120). Variants that disrupt the consensus splice site are a relatively common cause of aberrant splicing (PMID: 17576681, 9536098). Algorithms developed to predict the effect of sequence changes on RNA splicing suggest that this variant is not likely to affect RNA splicing. In summary, the available evidence is currently insufficient to determine the role of this variant in disease. Therefore, it has been classified as a Variant of Uncertain Significance.

Literature cited by the submitters: PubMed 17576681 (cited by Labcorp Genetics (formerly Invitae), Labcorp); PubMed 9536098 (cited by Labcorp Genetics (formerly Invitae), Labcorp).